The following is an entry in ClinVar:

NM_032444.4(SLX4):c.1745G>A (p.Arg582Gln)

Gene: SLX4 (SLX4 structure-specific endonuclease subunit; minus strand). Cytogenetic location: 16p13.3.
Variant type: single nucleotide variant.
Coding change: c.1745G>A on transcript NM_032444.4 (MANE Select); coding-DNA position 1745, G replaced by A.
Protein change: p.Arg582Gln; replaces arginine 582 with glutamine.
Molecular consequence: missense variant.
Genome position (GRCh38, 1-based): chr16:3,596,332, C>T on the plus strand (G>A on the coding strand, the complement: SLX4 is on the minus strand). VCF-style: chr16-3596332-C-T. GRCh37 (hg19) VCF-style: chr16-3646333-C-T.
Other names: short protein forms R582Q.
Identifiers: ClinVar variation 862146 (VCV000862146.8), dbSNP rs755044096, ClinGen allele CA276962392.

ClinVar aggregate classification (germline): Uncertain significance. Review status: criteria provided, multiple submitters, no conflicts (2 of 4 stars). 2 submissions from 2 submitters: Uncertain significance (2). Last evaluated 2024-08-30.

Conditions:
Fanconi anemia (FA). Also called: Fanconi's anemia. Identifiers: Orphanet 84, MedGen C0015625, MeSH D005199, MONDO:0019391.
Fanconi anemia complementation group P. Also called: SLX4-Related Fanconi Anemia. Identifiers: Orphanet 84, MedGen C3469542, MONDO:0013499, OMIM 613951.

Allele frequency attached by ClinVar (database versions not stated): gnomAD exomes below 0.00001 and 0.00001; gnomAD 0.00001; TOPMed 0.00002.
gnomAD v4.1: 19 of 1,589,006 alleles (0.0012%); highest among the groups gnomAD compares: East Asian, 0.0046%; no homozygotes.

Submissions (2):

Labcorp Genetics (formerly Invitae), Labcorp
Classification: Uncertain significance for Fanconi anemia. Last evaluated: 2024-08-30. Review status: criteria provided, single submitter. Criteria: Invitae Variant Classification Sherloc (09022015). Collection method: clinical testing. Allele origin: germline.
Comment: This sequence change replaces arginine, which is basic and polar, with glutamine, which is neutral and polar, at codon 582 of the SLX4 protein (p.Arg582Gln). The frequency data for this variant in the population databases is considered unreliable, as metrics indicate poor data quality at this position in the gnomAD database. This variant has not been reported in the literature in individuals affected with SLX4-related conditions. ClinVar contains an entry for this variant (Variation ID: 862146). An algorithm developed to predict the effect of missense changes on protein structure and function outputs the following: PolyPhen-2: "Benign". The glutamine amino acid residue is found in multiple mammalian species, which suggests that this missense change does not adversely affect protein function. In summary, the available evidence is currently insufficient to determine the role of this variant in disease. Therefore, it has been classified as a Variant of Uncertain Significance.

Fulgent Genetics
Classification: Uncertain significance for Fanconi anemia complementation group P. Last evaluated: 2024-06-05. Review status: criteria provided, single submitter. Criteria: ACMG Guidelines, 2015. Collection method: clinical testing. Allele origin: germline.